The following is an entry in ClinVar:

NM_000059.4(BRCA2):c.5036C>G (p.Thr1679Ser)

Gene: BRCA2 (BRCA2 DNA repair associated; plus strand). Cytogenetic location: 13q13.1.
Variant type: single nucleotide variant.
Coding change: c.5036C>G on transcript NM_000059.4 (MANE Select); coding-DNA position 5036, C replaced by G.
Protein change: p.Thr1679Ser; replaces threonine 1679 with serine.
Molecular consequence: missense variant.
Genome position (GRCh38, 1-based): chr13:32,339,391, C>G. VCF-style: chr13-32339391-C-G. GRCh37 (hg19) VCF-style: chr13-32913528-C-G.
Other names: short protein forms T1679S.
Identifiers: ClinVar variation 647037 (VCV000647037.11), dbSNP rs1593904210, ClinGen allele CA387783992.

ClinVar aggregate classification (germline): Conflicting classifications of pathogenicity. Review status: criteria provided, conflicting classifications (1 of 4 stars). 3 submissions from 3 submitters: Uncertain significance (2); Likely benign (1). Last evaluated 2025-10-13.

Conditions:
Hereditary cancer-predisposing syndrome. Also called: Hereditary Cancer Syndrome; Tumor predisposition; Hereditary neoplastic syndrome; Neoplastic Syndromes, Hereditary. Identifiers: Orphanet 140162, MedGen C0027672, MeSH D009386, MONDO:0015356.
Hereditary breast ovarian cancer syndrome. Also called: Hereditary breast and ovarian cancer; Hereditary breast and ovarian cancer syndrome; BRCA1- and BRCA2-Associated Hereditary Breast and Ovarian Cancer; Hereditary breast and ovarian cancer syndrome (HBOC); Breast and ovarian cancer; Hereditary breast and/or ovarian cancer syndrome. Identifiers: Orphanet 145, MedGen C0677776, MeSH D061325, MONDO:0003582. Disease mechanism: loss of function.

Submissions (3):

Labcorp Genetics (formerly Invitae), Labcorp
Classification: Uncertain significance for Hereditary breast ovarian cancer syndrome. Last evaluated: 2025-10-13. Review status: criteria provided, single submitter. Criteria: Invitae Variant Classification Sherloc (09022015). Collection method: clinical testing. Allele origin: germline.
Comment: This sequence change replaces threonine, which is neutral and polar, with serine, which is neutral and polar, at codon 1679 of the BRCA2 protein (p.Thr1679Ser). This variant is not present in population databases (gnomAD no frequency). This variant has not been reported in the literature in individuals affected with BRCA2-related conditions. ClinVar contains an entry for this variant (Variation ID: 647037). Invitae Evidence Modeling of protein sequence and biophysical properties (such as structural, functional, and spatial information, amino acid conservation, physicochemical variation, residue mobility, and thermodynamic stability) indicates that this missense variant is not expected to disrupt BRCA2 protein function with a negative predictive value of 95%. In summary, the available evidence is currently insufficient to determine the role of this variant in disease. Therefore, it has been classified as a Variant of Uncertain Significance.

Ambry Genetics
Classification: Uncertain significance for Hereditary cancer-predisposing syndrome. Last evaluated: 2025-06-30. Review status: criteria provided, single submitter. Criteria: Ambry Variant Classification Scheme 2023. Collection method: clinical testing. Allele origin: germline.
Comment: The p.T1679S variant (also known as c.5036C>G), located in coding exon 10 of the BRCA2 gene, results from a C to G substitution at nucleotide position 5036. The threonine at codon 1679 is replaced by serine, an amino acid with similar properties. This amino acid position is conserved. In addition, this alteration is predicted to be tolerated by in silico analysis. Based on the available evidence, the clinical significance of this variant remains unclear.

University of Washington Department of Laboratory Medicine, University of Washington
Classification: Likely benign for Hereditary cancer-predisposing syndrome. Last evaluated: 2023-03-23. Review status: criteria provided, single submitter. Criteria: Dines et al. (Genet Med. 2020). Collection method: curation. Allele origin: germline.
Comment: Missense variant in a coldspot region where missense variants are very unlikely to be pathogenic (PMID:31911673).

BRCA2 exon 11 coldspot. Reclassification based on statistical prior probability.